The following is an entry in ClinVar:

NM_000059.4(BRCA2):c.7502A>G (p.Gln2501Arg)

Gene: BRCA2 (BRCA2 DNA repair associated; plus strand). Cytogenetic location: 13q13.1.
Variant type: single nucleotide variant.
Coding change: c.7502A>G on transcript NM_000059.4 (MANE Select); coding-DNA position 7502, A replaced by G.
Protein change: p.Gln2501Arg; replaces glutamine 2501 with arginine.
Molecular consequence: missense variant.
Genome position (GRCh38, 1-based): chr13:32,356,494, A>G. VCF-style: chr13-32356494-A-G. GRCh37 (hg19) VCF-style: chr13-32930631-A-G.
Other names: short protein forms Q2501R.
Identifiers: ClinVar variation 846410 (VCV000846410.12), dbSNP rs2072696682, ClinGen allele CA387743415.

ClinVar aggregate classification (germline): Uncertain significance. Review status: criteria provided, multiple submitters, no conflicts (2 of 4 stars). 3 submissions from 3 submitters: Uncertain significance (3). Last evaluated 2026-04-03.

Conditions:
Hereditary breast ovarian cancer syndrome. Also called: Hereditary breast and ovarian cancer; Hereditary breast and ovarian cancer syndrome (HBOC); Hereditary breast and/or ovarian cancer syndrome; Breast and ovarian cancer; BRCA1- and BRCA2-Associated Hereditary Breast and Ovarian Cancer; Hereditary breast and ovarian cancer syndrome. Identifiers: Orphanet 145, MedGen C0677776, MeSH D061325, MONDO:0003582. Disease mechanism: loss of function.
Hereditary cancer-predisposing syndrome. Also called: Tumor predisposition; Neoplastic Syndromes, Hereditary; Hereditary neoplastic syndrome; Hereditary Cancer Syndrome. Identifiers: Orphanet 140162, MedGen C0027672, MeSH D009386, MONDO:0015356.

Submissions (3):

Ambry Genetics
Classification: Uncertain significance for Hereditary cancer-predisposing syndrome. Last evaluated: 2026-04-03. Review status: criteria provided, single submitter. Criteria: Ambry Variant Classification Scheme 2023. Collection method: clinical testing. Allele origin: germline.
Comment: The p.Q2501R variant (also known as c.7502A>G), located in coding exon 14 of the BRCA2 gene, results from an A to G substitution at nucleotide position 7502. The glutamine at codon 2501 is replaced by arginine, an amino acid with highly similar properties. The results from two saturation genome editing-based studies, including a haploid cell-survival assay and a humanized mouse embryonic stem cell line assay of drug response and survival, are indeterminate for this nucleotide substitution (Huang H et al. Nature, 2025 Feb;638:528-537; Sahu S et al. Nature, 2025 Feb;638:538-545). This amino acid position is well conserved in available vertebrate species. In addition, the in silico prediction for this alteration is inconclusive. Based on the available evidence, the clinical significance of this variant remains unclear.

Labcorp Genetics (formerly Invitae), Labcorp
Classification: Uncertain significance for Hereditary breast ovarian cancer syndrome. Last evaluated: 2025-07-14. Review status: criteria provided, single submitter. Criteria: Invitae Variant Classification Sherloc (09022015). Collection method: clinical testing. Allele origin: germline.
Comment: This sequence change replaces glutamine, which is neutral and polar, with arginine, which is basic and polar, at codon 2501 of the BRCA2 protein (p.Gln2501Arg). This variant is not present in population databases (gnomAD no frequency). This missense change has been observed in individual(s) with BRCA2-related conditions (PMID: 32959997). ClinVar contains an entry for this variant (Variation ID: 846410). Invitae Evidence Modeling of protein sequence and biophysical properties (such as structural, functional, and spatial information, amino acid conservation, physicochemical variation, residue mobility, and thermodynamic stability) indicates that this missense variant is not expected to disrupt BRCA2 protein function with a negative predictive value of 95%. In summary, the available evidence is currently insufficient to determine the role of this variant in disease. Therefore, it has been classified as a Variant of Uncertain Significance.

GeneDx
Classification: Uncertain significance. Last evaluated: 2023-10-18. Review status: criteria provided, single submitter. Criteria: GeneDx Variant Classification Process June 2021. Collection method: clinical testing. Allele origin: germline. Affected: yes.
Comment: Observed in an individual with breast cancer in published literature (Uyisenga et al., 2020); In silico analysis supports that this missense variant does not alter protein structure/function; Not observed at significant frequency in large population cohorts (gnomAD); Also known as 7730A>G; This variant is associated with the following publications: (PMID: 32959997, 12228710)

Literature cited by the submitters: PubMed 39779848 (cited by Ambry Genetics); PubMed 39779857 (cited by Ambry Genetics); PubMed 32959997 (cited by Labcorp Genetics (formerly Invitae), Labcorp).